The following is an entry in ClinVar:

ClinVar aggregate classification (germline): Likely benign. Review status: criteria provided, multiple submitters, no conflicts (2 of 4 stars). 2 submissions from 2 submitters: Likely benign (2). Last evaluated 2025-12-30.

Conditions:
Arginase deficiency. Also called: ARGININEMIA; ARG1 DEFICIENCY; Arginase 1 Deficiency. Identifiers: Orphanet 90, MedGen C0268548, MONDO:0008814, OMIM 207800.

Allele frequency attached by ClinVar (database versions not stated): ExAC 0.00002; gnomAD 0.00003 and 0.00004; gnomAD exomes 0.00001; TOPMed 0.00003.
gnomAD v4.1: 23 of 1,613,024 alleles (0.0014%); highest among the groups gnomAD compares: Admixed American, 0.005%; no homozygotes.

Submissions (2):

Labcorp Genetics (formerly Invitae), Labcorp
Classification: Likely benign for Arginase deficiency. Last evaluated: 2025-12-30. Review status: criteria provided, single submitter. Criteria: Invitae Variant Classification Sherloc (09022015). Collection method: clinical testing. Allele origin: germline.

CeGaT Center for Human Genetics Tuebingen
Classification: Likely benign. Last evaluated: 2025-06-01. Review status: criteria provided, single submitter. Criteria: CeGaT Center For Human Genetics Tuebingen Variant Classification Criteria Version 2. Collection method: clinical testing. Allele origin: germline. Affected: yes. Observed: 1 variant allele.
Comment: ARG1: BP4, BP7

NM_000045.4(ARG1):c.471C>T (p.Pro157=)

Genes: MED23 (mediator complex subunit 23; minus strand), ARG1 (arginase 1; plus strand). Cytogenetic location: 6q23.2.
Variant type: single nucleotide variant.
Coding change: c.471C>T on transcript NM_000045.4 (MANE Select); coding-DNA position 471, C replaced by T.
Protein change: p.Pro157=; no amino-acid change (proline 157 retained).
Molecular consequence: synonymous variant. On other transcripts: non-coding transcript variant (1), intron variant (3).
Genome position (GRCh38, 1-based): chr6:131,582,626, C>T. VCF-style: chr6-131582626-C-T. GRCh37 (hg19) VCF-style: chr6-131903766-C-T.
Other names: c.495C>T, p.Pro165= (NM_001244438.2); c.306-434C>T (NM_001369020.1); c.4077+5083G>A (NM_001270521.2); c.4095+5083G>A (NM_015979.4).
Identifiers: ClinVar variation 1128257 (VCV001128257.19), dbSNP rs766853875, ClinGen allele CA3999281.